The following is an entry in ClinVar:

ClinVar aggregate classification (germline): Uncertain significance (1 of 4 stars; one submission).

Submission:

Greenwood Genetic Center Diagnostic Laboratories, Greenwood Genetic Center
Classification: Uncertain significance. Last evaluated: 2023-10-10. Review status: criteria provided, single submitter. Criteria: ACMG Guidelines, 2015. Collection method: clinical testing. Allele origin: germline. Affected: yes.
Comment: PM2

NM_020754.4(ARHGAP31):c.3657_3658delinsAT (p.Ser1220Cys)

Gene: ARHGAP31 (Rho GTPase activating protein 31; plus strand). Cytogenetic location: 3q13.33.
Variant type: Indel.
Coding change: c.3657_3658delinsAT on transcript NM_020754.4 (MANE Select); coding-DNA positions 3657 to 3658, GA replaced by AT.
Protein change: p.Ser1220Cys; replaces serine 1220 with cysteine.
Molecular consequence: missense variant.
Genome position (GRCh38, 1-based): chr3:119,415,586-119,415,587, GA replaced by AT. VCF-style: chr3-119415586-GA-AT. GRCh37 (hg19) VCF-style: chr3-119134433-GA-AT.
Other names: short protein forms S1220C.
Identifiers: ClinVar variation 2692535 (VCV002692535.1), dbSNP rs2472878552, ClinGen allele CA2697556792.